The following is an entry in ClinVar:

NM_199420.4(POLQ):c.1486T>C (p.Cys496Arg)

Gene: POLQ (DNA polymerase theta; minus strand). Cytogenetic location: 3q13.33.
Variant type: single nucleotide variant.
Coding change: c.1486T>C on transcript NM_199420.4 (MANE Select); coding-DNA position 1486, T replaced by C.
Protein change: p.Cys496Arg; replaces cysteine 496 with arginine.
Molecular consequence: missense variant.
Genome position (GRCh38, 1-based): chr3:121,512,012, A>G on the plus strand (T>C on the coding strand, the complement: POLQ is on the minus strand). VCF-style: chr3-121512012-A-G. GRCh37 (hg19) VCF-style: chr3-121230859-A-G.
Other names: short protein forms C496R.
Identifiers: ClinVar variation 3229838 (VCV003229838.1), dbSNP rs2546804420, ClinGen allele CA354116372.
Genomic context (GRCh38, chr3:121,512,012, plus strand): 5'-GAACAGGCTTTAGAGAACCCTGAAGGAGAGCTATGCCTTTTGATTTCTCAGAGTTCTTAC[A>G]AATTAAGATACTCTCGCCTATAACCAAAAGATACACATTTGCAAAATCCCAATATAGTTC-3'
Protein context (NP_955452.3, residues 486-506): VDTVGESILI[Cys496Arg]KNSEKSKGIA

ClinVar aggregate classification (germline): Uncertain significance (1 of 4 stars; one submission).

Submission:

Ambry Genetics
Classification: Uncertain significance. Last evaluated: 2023-12-20. Review status: criteria provided, single submitter. Criteria: Ambry Variant Classification Scheme 2023. Collection method: clinical testing. Allele origin: germline.
Comment: The p.C496R variant (also known as c.1486T>C), located in coding exon 10 of the POLQ gene, results from a T to C substitution at nucleotide position 1486. The cysteine at codon 496 is replaced by arginine, an amino acid with highly dissimilar properties. This amino acid position is conserved. In addition, this alteration is predicted to be deleterious by in silico analysis. Since supporting evidence is limited at this time, the clinical significance of this alteration remains unclear.